The following is an entry in ClinVar:

ClinVar aggregate classification (germline): Uncertain significance. Review status: criteria provided, multiple submitters, no conflicts (2 of 4 stars). 3 submissions from 3 submitters: Uncertain significance (3). Last evaluated 2025-11-09.

Conditions:
Hereditary cancer-predisposing syndrome. Also called: Neoplastic Syndromes, Hereditary; Tumor predisposition; Hereditary Cancer Syndrome; Hereditary neoplastic syndrome. Identifiers: Orphanet 140162, MedGen C0027672, MeSH D009386, MONDO:0015356.
Basal cell carcinoma, susceptibility to, 1. Also called: BCC1. Identifiers: MedGen C2751544, MONDO:0011556, OMIM 605462.
Gorlin syndrome. Also called: Nevoid Basal Cell Carcinoma Syndrome; Basal cell nevus syndrome. Identifiers: Orphanet 377, MedGen C0004779, MONDO:0007187.

Allele frequency attached by ClinVar (database versions not stated): TOPMed 0.00001; gnomAD 0.00001; gnomAD exomes 0.00001.
gnomAD v4.1: 12 of 1,560,054 alleles (0.00077%); highest among the groups gnomAD compares: Non-Finnish European, 0.001%; no homozygotes.

Submissions (3):

Labcorp Genetics (formerly Invitae), Labcorp
Classification: Uncertain significance for Gorlin syndrome. Last evaluated: 2025-11-09. Review status: criteria provided, single submitter. Criteria: Invitae Variant Classification Sherloc (09022015). Collection method: clinical testing. Allele origin: germline.
Comment: This sequence change replaces proline, which is neutral and non-polar, with serine, which is neutral and polar, at codon 1198 of the PTCH1 protein (p.Pro1198Ser). This variant is not present in population databases (gnomAD no frequency). This variant has not been reported in the literature in individuals affected with PTCH1-related conditions. ClinVar contains an entry for this variant (Variation ID: 524573). Invitae Evidence Modeling of protein sequence and biophysical properties (such as structural, functional, and spatial information, amino acid conservation, physicochemical variation, residue mobility, and thermodynamic stability) indicates that this missense variant is not expected to disrupt PTCH1 protein function with a negative predictive value of 95%. In summary, the available evidence is currently insufficient to determine the role of this variant in disease. Therefore, it has been classified as a Variant of Uncertain Significance.

Ambry Genetics
Classification: Uncertain significance for Hereditary cancer-predisposing syndrome. Last evaluated: 2024-06-03. Review status: criteria provided, single submitter. Criteria: Ambry Variant Classification Scheme 2023. Collection method: clinical testing. Allele origin: germline.
Comment: The p.P1198S variant (also known as c.3592C>T), located in coding exon 22 of the PTCH1 gene, results from a C to T substitution at nucleotide position 3592. The proline at codon 1198 is replaced by serine, an amino acid with similar properties. This amino acid position is well conserved in available vertebrate species. In addition, the in silico prediction for this alteration is inconclusive. Since supporting evidence is limited at this time, the clinical significance of this alteration remains unclear.

Baylor Genetics
Classification: Uncertain significance for Basal cell carcinoma, susceptibility to, 1. Last evaluated: 2023-11-11. Review status: criteria provided, single submitter. Criteria: ACMG Guidelines, 2015. Collection method: clinical testing. Allele origin: unknown.

NM_000264.5(PTCH1):c.3592C>T (p.Pro1198Ser)

Gene: PTCH1 (patched 1; minus strand). Cytogenetic location: 9q22.32.
Variant type: single nucleotide variant.
Coding change: c.3592C>T on transcript NM_000264.5 (MANE Select); coding-DNA position 3592, C replaced by T.
Protein change: p.Pro1198Ser; replaces proline 1198 with serine.
Molecular consequence: missense variant. On other transcripts: non-coding transcript variant (1).
Genome position (GRCh38, 1-based): chr9:95,449,281, G>A on the plus strand (C>T on the coding strand, the complement: PTCH1 is on the minus strand). VCF-style: chr9-95449281-G-A. GRCh37 (hg19) VCF-style: chr9-98211563-G-A.
Other names: c.3394C>T, p.Pro1132Ser (NM_001083602.3); c.3589C>T, p.Pro1197Ser (NM_001083603.3); c.3139C>T, p.Pro1047Ser (NM_001083604.3, NM_001083605.3, NM_001083606.3 and 1 more transcripts); c.3436C>T, p.Pro1146Ser (NM_001354918.2); short protein forms P1132S, P1198S, P1197S, P1047S, P1146S.
Identifiers: ClinVar variation 524573 (VCV000524573.17), dbSNP rs1280830531, ClinGen allele CA374111336.